The following is an entry in ClinVar:

NM_020374.4(C12orf4):c.639_642dup (p.Ser215fs)

Gene: C12orf4 (chromosome 12 open reading frame 4; minus strand). Cytogenetic location: 12p13.32.
Variant type: Duplication.
Coding change: c.639_642dup on transcript NM_020374.4 (MANE Select); coding-DNA positions 639 to 642, 4 bases duplicated (ACAA; older notation c.639_642dupACAA).
Protein change: p.Ser215fs; shifts the reading frame from serine 215.
Molecular consequence: frameshift variant. On other transcripts: 5 prime UTR variant (1), non-coding transcript variant (3).
Genome position (GRCh38, 1-based): chr12:4,525,340-4,525,343, TTGT duplicated on the plus strand (ACAA on the coding strand, the reverse complement: C12orf4 is on the minus strand); duplicating any 4 consecutive bases within chr12:4,525,340-4,525,345 gives the same sequence; the c. name uses the placement nearest the transcript's 3' end. VCF-style (leftmost placement, unchanged base first): chr12-4525339-A-ATTGT. GRCh37 (hg19) VCF-style: chr12-4634505-A-ATTGT.
Other names: c.639_642dup, p.Ser215fs (NM_001304811.2, NM_001346153.2, NM_001346155.2); c.120_123dup, p.Ser42fs (NM_001346156.2, NM_001346157.2); c.-107_-104dup (NM_001352962.2); short protein forms S42fs, S215fs.
Identifiers: ClinVar variation 279717 (VCV000279717.2), dbSNP rs886041150, ClinGen allele CA10603146.

ClinVar aggregate classification (germline): Uncertain significance (1 of 4 stars; one submission).

Submission:

GeneDx
Classification: Uncertain significance. Last evaluated: 2016-04-09. Review status: criteria provided, single submitter. Criteria: GeneDx Variant Classification (06012015). Collection method: clinical testing. Allele origin: germline. Affected: yes.
Comment: A similar or same variant as the c.639_642dupACAA variant in the C12orf4 gene has been reported previously as c.637_638insAAAC (p.K213fs) in the homozygous state in an individual with global developmental delay, white matter hyperintensities, mild hyperlaxity, dysmorphic features, hypotonia, and hypopigmented skin patches. The c.639_642dupACAA variant causes a frameshift starting with codon Serine 215, changes this amino acid to a Threonine residue and creates a premature Stop codon at position 30 of the new reading frame, denoted p.Ser215ThrfsX30. This variant is predicted to cause loss of normal protein function either through protein truncation or nonsense-mediated mRNA decay. The c.639_642dupACAA variant was not observed in approximately 6,500 individuals of European and African American ancestry in the NHLBI Exome Sequencing Project, indicating it is not a common benign variant in these populations. We interpret c.639_642dupACAA as a variant of uncertain significance.